The following is an entry in ClinVar:

NM_003200.5(TCF3):c.599A>G (p.Tyr200Cys)

Gene: TCF3 (transcription factor 3; minus strand). Cytogenetic location: 19p13.3.
Variant type: single nucleotide variant.
Coding change: c.599A>G on transcript NM_003200.5 (MANE Select); coding-DNA position 599, A replaced by G.
Protein change: p.Tyr200Cys; replaces tyrosine 200 with cysteine.
Molecular consequence: missense variant.
Genome position (GRCh38, 1-based): chr19:1,622,366, T>C on the plus strand (A>G on the coding strand, the complement: TCF3 is on the minus strand). VCF-style: chr19-1622366-T-C. GRCh37 (hg19) VCF-style: chr19-1622365-T-C.
Other names: c.599A>G, p.Tyr200Cys (NM_001136139.4, NM_001351778.2, NM_001351779.2); short protein forms Y200C.
Identifiers: ClinVar variation 1436780 (VCV001436780.8), dbSNP rs1186454682, ClinGen allele CA403056141.

ClinVar aggregate classification (germline): Uncertain significance (1 of 4 stars; one submission).

Allele frequency attached by ClinVar (database versions not stated): TOPMed below 0.00001.

Submission:

Labcorp Genetics (formerly Invitae), Labcorp
Classification: Uncertain significance. Last evaluated: 2021-07-27. Review status: criteria provided, single submitter. Criteria: Invitae Variant Classification Sherloc (09022015). Collection method: clinical testing. Allele origin: germline.
Comment: In summary, the available evidence is currently insufficient to determine the role of this variant in disease. Therefore, it has been classified as a Variant of Uncertain Significance. Algorithms developed to predict the effect of missense changes on protein structure and function are either unavailable or do not agree on the potential impact of this missense change (SIFT: "Not Available"; PolyPhen-2: "Possibly Damaging"; Align-GVGD: "Not Available"). This variant has not been reported in the literature in individuals affected with TCF3-related conditions. The frequency data for this variant in the population databases is considered unreliable, as metrics indicate insufficient coverage at this position in the ExAC database. This sequence change replaces tyrosine with cysteine at codon 200 of the TCF3 protein (p.Tyr200Cys). The tyrosine residue is moderately conserved and there is a large physicochemical difference between tyrosine and cysteine.